The following is an entry in ClinVar:

ClinVar aggregate classification (germline): Uncertain significance (1 of 4 stars; one submission).

Conditions:
ANKRD1-related dilated cardiomyopathy. Identifiers: MedGen CN119551.

Allele frequency attached by ClinVar (database versions not stated): gnomAD exomes below 0.00001.
gnomAD v4.1: 2 of 1,613,846 alleles (0.00012%); highest among the groups gnomAD compares: Non-Finnish European, 0.00017%; no homozygotes.

Submission:

Labcorp Genetics (formerly Invitae), Labcorp
Classification: Uncertain significance for ANKRD1-related dilated cardiomyopathy. Last evaluated: 2024-02-13. Review status: criteria provided, single submitter. Criteria: Invitae Variant Classification Sherloc (09022015). Collection method: clinical testing. Allele origin: germline.
Comment: This sequence change creates a premature translational stop signal (p.Gln58*) in the ANKRD1 gene. It is expected to result in an absent or disrupted protein product. However, the current clinical and genetic evidence is not sufficient to establish whether loss-of-function variants in ANKRD1 cause disease. This variant is present in population databases (no rsID available, gnomAD 0.002%). This variant has not been reported in the literature in individuals affected with ANKRD1-related conditions. In summary, the available evidence is currently insufficient to determine the role of this variant in disease. Therefore, it has been classified as a Variant of Uncertain Significance.

NM_014391.3(ANKRD1):c.172C>T (p.Gln58Ter)

Gene: ANKRD1 (ankyrin repeat domain 1; minus strand). Cytogenetic location: 10q23.31.
Variant type: single nucleotide variant.
Coding change: c.172C>T on transcript NM_014391.3 (MANE Select); coding-DNA position 172, C replaced by T.
Protein change: p.Gln58Ter; replaces glutamine 58 with a stop codon.
Molecular consequence: nonsense.
Genome position (GRCh38, 1-based): chr10:90,920,204, G>A on the plus strand (C>T on the coding strand, the complement: ANKRD1 is on the minus strand). VCF-style: chr10-90920204-G-A. GRCh37 (hg19) VCF-style: chr10-92679961-G-A.
Other names: short protein forms Q58*.
Identifiers: ClinVar variation 2970053 (VCV002970053.3), dbSNP rs1290627165, ClinGen allele CA377553476.